The following is an entry in ClinVar:

ClinVar aggregate classification (germline): Uncertain significance. Review status: criteria provided, multiple submitters, no conflicts (2 of 4 stars). 2 submissions from 2 submitters: Uncertain significance (2). Last evaluated 2025-07-03.

Conditions:
Inborn genetic diseases. Identifiers: MedGen C0950123, MeSH D030342.

Allele frequency attached by ClinVar (database versions not stated): gnomAD 0.00001; TOPMed 0.00001; ExAC 0.00002; gnomAD exomes 0.00003.
gnomAD v4.1: 40 of 1,613,774 alleles (0.0025%); highest among the groups gnomAD compares: Non-Finnish European, 0.0032%; no homozygotes.

Submissions (2):

Ambry Genetics
Classification: Uncertain significance for Inborn genetic diseases. Last evaluated: 2025-07-03. Review status: criteria provided, single submitter. Criteria: Ambry Variant Classification Scheme 2023. Collection method: clinical testing. Allele origin: germline.

Labcorp Genetics (formerly Invitae), Labcorp
Classification: Uncertain significance. Last evaluated: 2024-01-15. Review status: criteria provided, single submitter. Criteria: Invitae Variant Classification Sherloc (09022015). Collection method: clinical testing. Allele origin: germline.
Comment: This sequence change replaces aspartic acid, which is acidic and polar, with glutamic acid, which is acidic and polar, at codon 1805 of the NBAS protein (p.Asp1805Glu). This variant is present in population databases (rs776029373, gnomAD 0.003%). This variant has not been reported in the literature in individuals affected with NBAS-related conditions. ClinVar contains an entry for this variant (Variation ID: 1896367). Advanced modeling of protein sequence and biophysical properties (such as structural, functional, and spatial information, amino acid conservation, physicochemical variation, residue mobility, and thermodynamic stability) performed at Invitae indicates that this missense variant is not expected to disrupt NBAS protein function with a negative predictive value of 95%. In summary, the available evidence is currently insufficient to determine the role of this variant in disease. Therefore, it has been classified as a Variant of Uncertain Significance.

NM_015909.4(NBAS):c.5415T>G (p.Asp1805Glu)

Gene: NBAS (NBAS subunit of NRZ tethering complex; minus strand). Cytogenetic location: 2p24.3.
Variant type: single nucleotide variant.
Coding change: c.5415T>G on transcript NM_015909.4 (MANE Select); coding-DNA position 5415, T replaced by G.
Protein change: p.Asp1805Glu; replaces aspartic acid 1805 with glutamic acid.
Molecular consequence: missense variant. On other transcripts: non-coding transcript variant (1).
Genome position (GRCh38, 1-based): chr2:15,275,793, A>C on the plus strand (T>G on the coding strand, the complement: NBAS is on the minus strand). VCF-style: chr2-15275793-A-C. GRCh37 (hg19) VCF-style: chr2-15415917-A-C.
Other names: c.5415T>G (NM_015909.2); short protein forms D1805E.
Identifiers: ClinVar variation 1896367 (VCV001896367.4), dbSNP rs776029373, ClinGen allele CA1535296.